The following is an entry in ClinVar:

ClinVar aggregate classification (germline): Uncertain significance (1 of 4 stars; one submission).

Allele frequency attached by ClinVar (database versions not stated): ExAC 0.00016; 1000 Genomes Project 0.00020; 1000 Genomes Project 30x 0.00031.
gnomAD v4.1: 106 of 1,608,398 alleles (0.0066%); highest among the groups gnomAD compares: East Asian, 0.07%; no homozygotes.

Submission:

Labcorp Genetics (formerly Invitae), Labcorp
Classification: Uncertain significance. Last evaluated: 2022-03-06. Review status: criteria provided, single submitter. Criteria: Invitae Variant Classification Sherloc (09022015). Collection method: clinical testing. Allele origin: germline.
Comment: This sequence change replaces arginine, which is basic and polar, with histidine, which is basic and polar, at codon 94 of the MIPEP protein (p.Arg94His). This variant is present in population databases (rs185530077, gnomAD 0.2%). This variant has not been reported in the literature in individuals affected with MIPEP-related conditions. Algorithms developed to predict the effect of missense changes on protein structure and function are either unavailable or do not agree on the potential impact of this missense change (SIFT: "Deleterious"; PolyPhen-2: "Benign"; Align-GVGD: "Class C0"). In summary, the available evidence is currently insufficient to determine the role of this variant in disease. Therefore, it has been classified as a Variant of Uncertain Significance.

NM_005932.4(MIPEP):c.281G>A (p.Arg94His)

Gene: MIPEP (mitochondrial intermediate peptidase; minus strand). Cytogenetic location: 13q12.12.
Variant type: single nucleotide variant.
Coding change: c.281G>A on transcript NM_005932.4 (MANE Select); coding-DNA position 281, G replaced by A.
Protein change: p.Arg94His; replaces arginine 94 with histidine.
Molecular consequence: missense variant.
Genome position (GRCh38, 1-based): chr13:23,886,415, C>T on the plus strand (G>A on the coding strand, the complement: MIPEP is on the minus strand). VCF-style: chr13-23886415-C-T. GRCh37 (hg19) VCF-style: chr13-24460554-C-T.
Other names: short protein forms R94H.
Identifiers: ClinVar variation 1897123 (VCV001897123.2), dbSNP rs185530077, ClinGen allele CA6913408.